The following is an entry in ClinVar:

ClinVar aggregate classification (germline): Benign. Review status: reviewed by expert panel (3 of 4 stars). 4 submissions from 4 submitters: Benign (1). 3 of the submissions do not count toward it. Last evaluated 2020-05-13.

Conditions:
Hereditary thrombocytopenia and hematologic cancer predisposition syndrome. Identifiers: Orphanet 71290, MedGen CN281654, MONDO:0011071.
Hereditary thrombocytopenia and hematological cancer predisposition syndrome associated with RUNX1. Also called: PLATELET DISORDER, ASPIRIN-LIKE; RUNX1 Familial Platelet Disorder with Associated Myeloid Malignancies; Familial Platelet Disorder with Propensity to Acute Myelogenous Leukemia; Familial thrombocytopenia with propensity to acute myelogenous leukemia. Identifiers: Orphanet 71290, MedGen C1832388, MeSH C563324, MONDO:0100083, OMIM 601399.

Allele frequency attached by ClinVar (database versions not stated): gnomAD exomes 0.00127 and 0.00157; ExAC 0.00176; 1000 Genomes Project 0.01977; gnomAD 0.02053 and 0.02200; TOPMed 0.02091; 1000 Genomes Project 30x 0.02264.
gnomAD v4.1: 4,268 of 867,102 alleles (0.49%); highest among the groups gnomAD compares: African/African-American, 6.9%; 150 homozygotes.

Submissions (4):

ClinGen Myeloid Malignancy Variant Curation Expert Panel
Classification: Benign for Hereditary thrombocytopenia and hematologic cancer predisposition syndrome. Last evaluated: 2020-05-13. Review status: reviewed by expert panel. Criteria: ClinGen MyeloMalig ACMG Specifications v1. Collection method: curation. Allele origin: germline. Inheritance: Autosomal dominant inheritance.
Comment: The NM_001754.4:c.*88G>T variant in the 3' UTR has an MAF of 0.06896 (~7%, 2880/41766 alleles) in the African subpopulation of the gnomAD v3 cohort and is >= 0.0015 (0.15%) (BA1). This variant is detected in a homozygous state in 104 individuals in the gnomAD v3 population database (BP2). In summary, this variant meets criteria to be classified as benign. ACMG/AMP criteria applied, as specified by the Myeloid Malignancy Variant Curation Expert Panel for RUNX1: BA1, BP2.

GeneDx
Classification: Benign. Last evaluated: 2018-06-23. Review status: criteria provided, single submitter. Criteria: GeneDx Variant Classification Process June 2021. Collection method: clinical testing. Allele origin: germline. Affected: yes. Not counted in ClinVar's aggregate classification.

Illumina Laboratory Services, Illumina
Classification: Benign for Hereditary thrombocytopenia and hematological cancer predisposition syndrome associated with RUNX1. Last evaluated: 2018-01-13. Review status: criteria provided, single submitter. Criteria: ICSL Variant Classification Criteria 13 December 2019. Collection method: clinical testing. Allele origin: germline. Not counted in ClinVar's aggregate classification.
Comment: This variant was observed in the ICSL laboratory as part of a predisposition screen in an ostensibly healthy population. It had not been previously curated by ICSL or reported in the Human Gene Mutation Database (HGMD: prior to June 1st, 2018), and was therefore a candidate for classification through an automated scoring system. Utilizing variant allele frequency, disease prevalence and penetrance estimates, and inheritance mode, an automated score was calculated to assess if this variant is too frequent to cause the disease. Based on the score and internal cut-off values, a variant classified as benign is not then subjected to further curation. The score for this variant resulted in a classification of benign for this disease.

Breakthrough Genomics
Classification: Benign. Review status: criteria provided, single submitter. Criteria: ACMG Guidelines, 2015. Collection method: not provided. Allele origin: germline. Inheritance: Autosomal dominant inheritance. Affected: yes. Not counted in ClinVar's aggregate classification.

NM_001754.5(RUNX1):c.*88G>T

Gene: RUNX1 (RUNX family transcription factor 1; minus strand). Cytogenetic location: 21q22.12.
Variant type: single nucleotide variant.
Coding change: c.*88G>T on transcript NM_001754.5 (MANE Select); 88 bases downstream of the stop codon, G replaced by T.
Molecular consequence: 3 prime UTR variant.
Genome position (GRCh38, 1-based): chr21:34,792,047, C>A on the plus strand (G>T on the coding strand, the complement: RUNX1 is on the minus strand). VCF-style: chr21-34792047-C-A. GRCh37 (hg19) VCF-style: chr21-36164344-C-A.
Other names: c.*88G>T (NM_001001890.3, NM_001754.4).
Identifiers: ClinVar variation 339871 (VCV000339871.8), dbSNP rs539980908, ClinGen allele CA10014160.